The following is an entry in ClinVar:

NM_001855.5(COL15A1):c.1332C>T (p.Ser444=)

Gene: COL15A1 (collagen type XV alpha 1 chain; plus strand). Cytogenetic location: 9q22.33.
Variant type: single nucleotide variant.
Coding change: c.1332C>T on transcript NM_001855.5 (MANE Select); coding-DNA position 1332, C replaced by T.
Protein change: p.Ser444=; no amino-acid change (serine 444 retained).
Molecular consequence: synonymous variant.
Genome position (GRCh38, 1-based): chr9:99,005,029, C>T. VCF-style: chr9-99005029-C-T. GRCh37 (hg19) VCF-style: chr9-101767311-C-T.
Identifiers: ClinVar variation 3044072 (VCV003044072.2), dbSNP rs145422418, ClinGen allele CA5154856.
Genomic context (GRCh38, chr9:99,005,029, plus strand): 5'-GGAAGTGGAGGCCAGTGGTGTGGCCCCCGGGGAGCTGGACCTCTCCATGTCCGCCCAGAG[C>T]CTCGGGGAAGAGGCCACTGTGGTAAGGATCGTACAGTGCCCAAAGGTTGAGGTCATGGTG-3'
Protein context (NP_001846.3, residues 434-454): GELDLSMSAQ[Ser444=]LGEEATVGPS

ClinVar aggregate classification (germline): Benign (0 of 4 stars; one submission).

Conditions:
COL15A1-related disorder. Also called: COL15A1-related condition.

Allele frequency attached by ClinVar (database versions not stated): ExAC 0.00071; 1000 Genomes Project 0.00200; 1000 Genomes Project 30x 0.00203; ESP Exome Variant Server 0.00215; gnomAD 0.00224; TOPMed 0.00225.
gnomAD v4.1: 644 of 1,610,822 alleles (0.04%); highest among the groups gnomAD compares: African/African-American, 0.76%; 1 homozygote.

Submission:

PreventionGenetics, part of Exact Sciences
Classification: Benign for COL15A1-related condition. Last evaluated: 2019-06-07. Review status: no assertion criteria provided. Collection method: clinical testing. Allele origin: germline.
Comment: This variant is classified as benign based on ACMG/AMP sequence variant interpretation guidelines (Richards et al. 2015 PMID: 25741868, with internal and published modifications).